The following is an entry in ClinVar:

ClinVar aggregate classification (germline): Uncertain significance. Review status: criteria provided, multiple submitters, no conflicts (2 of 4 stars). 3 submissions from 3 submitters: Uncertain significance (3). Last evaluated 2025-02-04.

Conditions:
Cerebral palsy, spastic quadriplegic, 2 (CPSQ2). Identifiers: Orphanet 210141, MedGen C2752061, MONDO:0013033, OMIM 612900.

Allele frequency attached by ClinVar (database versions not stated): TOPMed 0.00007; gnomAD exomes 0.00008 and 0.00010; gnomAD 0.00009 and 0.00010; ExAC 0.00011; ESP Exome Variant Server 0.00015.
gnomAD v4.1: 159 of 1,614,100 alleles (0.0099%); highest among the groups gnomAD compares: Non-Finnish European, 0.012%; no homozygotes.

Submissions (3):

Labcorp Genetics (formerly Invitae), Labcorp
Classification: Uncertain significance. Last evaluated: 2025-02-04. Review status: criteria provided, single submitter. Criteria: Invitae Variant Classification Sherloc (09022015). Collection method: clinical testing. Allele origin: germline.
Comment: This sequence change replaces isoleucine, which is neutral and non-polar, with methionine, which is neutral and non-polar, at codon 85 of the KANK1 protein (p.Ile85Met). This variant is present in population databases (rs143368107, gnomAD 0.02%). This variant has not been reported in the literature in individuals affected with KANK1-related conditions. ClinVar contains an entry for this variant (Variation ID: 1058403). An algorithm developed to predict the effect of missense changes on protein structure and function (PolyPhen-2) suggests that this variant is likely to be tolerated. Algorithms developed to predict the effect of sequence changes on RNA splicing suggest that this variant may create or strengthen a splice site. In summary, the available evidence is currently insufficient to determine the role of this variant in disease. Therefore, it has been classified as a Variant of Uncertain Significance.

Ambry Genetics
Classification: Uncertain significance. Last evaluated: 2022-12-13. Review status: criteria provided, single submitter. Criteria: Ambry Variant Classification Scheme 2023. Collection method: clinical testing. Allele origin: germline.

Fulgent Genetics
Classification: Uncertain significance for Cerebral palsy, spastic quadriplegic, 2. Last evaluated: 2022-02-22. Review status: criteria provided, single submitter. Criteria: ACMG Guidelines, 2015. Collection method: clinical testing. Allele origin: unknown.

NM_015158.5(KANK1):c.255A>G (p.Ile85Met)

Gene: KANK1 (KN motif and ankyrin repeat domains 1; plus strand). Cytogenetic location: 9p24.3.
Variant type: single nucleotide variant.
Coding change: c.255A>G on transcript NM_015158.5 (MANE Select); coding-DNA position 255, A replaced by G.
Protein change: p.Ile85Met; replaces isoleucine 85 with methionine.
Molecular consequence: missense variant. On other transcripts: 5 prime UTR variant (12), non-coding transcript variant (1).
Genome position (GRCh38, 1-based): chr9:711,021, A>G. VCF-style: chr9-711021-A-G. GRCh37 (hg19) VCF-style: chr9-711021-A-G.
Other names: c.255A>G, p.Ile85Met (NM_001256876.3, NM_001256877.3, NM_001354331.2 and 2 more transcripts); c.-220A>G (NM_001354333.2, NM_001354335.2, NM_001354336.2 and 9 more transcripts); c.255A>G (NM_015158.2); short protein forms I85M.
Identifiers: ClinVar variation 1058403 (VCV001058403.11), dbSNP rs143368107, ClinGen allele CA4959896.